The following is an entry in ClinVar:

NM_002471.4(MYH6):c.1960C>A (p.Arg654=)

Gene: MYH6 (myosin heavy chain 6; minus strand). Cytogenetic location: 14q11.2.
Variant type: single nucleotide variant.
Coding change: c.1960C>A on transcript NM_002471.4 (MANE Select); coding-DNA position 1960, C replaced by A.
Protein change: p.Arg654=; no amino-acid change (arginine 654 retained).
Molecular consequence: synonymous variant.
Genome position (GRCh38, 1-based): chr14:23,397,545, G>T on the plus strand (C>A on the coding strand, the complement: MYH6 is on the minus strand). VCF-style: chr14-23397545-G-T. GRCh37 (hg19) VCF-style: chr14-23866754-G-T.
Identifiers: ClinVar variation 382271 (VCV000382271.17), dbSNP rs369938365, ClinGen allele CA7115652.

ClinVar aggregate classification (germline): Likely benign. Review status: criteria provided, multiple submitters, no conflicts (2 of 4 stars). 4 submissions from 4 submitters: Likely benign (4). Last evaluated 2026-04-10.

Conditions:
MYH6-related disorder. Also called: MYH6-Related Disorders; MYH6-related condition.
Cardiovascular phenotype. Identifiers: MedGen CN230736.
Hypertrophic cardiomyopathy 14. Identifiers: MedGen C2750467, MONDO:0013197, OMIM 613251.

Allele frequency attached by ClinVar (database versions not stated): TOPMed 0.00007; ESP Exome Variant Server 0.00008.
gnomAD v4.1: 155 of 1,614,040 alleles (0.0096%); highest among the groups gnomAD compares: Non-Finnish European, 0.013%; no homozygotes.

Submissions (4):

PreventionGenetics, part of Exact Sciences
Classification: Likely benign for MYH6-related condition. Last evaluated: 2026-04-10. Review status: criteria provided, single submitter. Criteria: ACMG Guidelines, 2015. Collection method: clinical testing. Allele origin: germline.
Comment: This variant is classified as likely benign based on ACMG/AMP sequence variant interpretation guidelines (Richards et al. 2015 PMID: 25741868, with internal and published modifications).

Labcorp Genetics (formerly Invitae), Labcorp
Classification: Likely benign for Hypertrophic cardiomyopathy 14. Last evaluated: 2025-07-27. Review status: criteria provided, single submitter. Criteria: Invitae Variant Classification Sherloc (09022015). Collection method: clinical testing. Allele origin: germline.

Ambry Genetics
Classification: Likely benign for Cardiovascular phenotype. Last evaluated: 2020-03-19. Review status: criteria provided, single submitter. Criteria: Ambry Variant Classification Scheme 2023. Collection method: clinical testing. Allele origin: germline.

GeneDx
Classification: Likely benign. Last evaluated: 2019-12-10. Review status: criteria provided, single submitter. Criteria: GeneDx Variant Classification Process June 2021. Collection method: clinical testing. Allele origin: germline. Affected: yes.